The following is an entry in ClinVar:

NM_014975.3(MAST1):c.420C>T (p.Thr140=)

Gene: MAST1 (microtubule associated serine/threonine kinase 1; plus strand). Cytogenetic location: 19p13.13.
Variant type: single nucleotide variant.
Coding change: c.420C>T on transcript NM_014975.3 (MANE Select); coding-DNA position 420, C replaced by T.
Protein change: p.Thr140=; no amino-acid change (threonine 140 retained).
Molecular consequence: synonymous variant.
Genome position (GRCh38, 1-based): chr19:12,847,382, C>T. VCF-style: chr19-12847382-C-T. GRCh37 (hg19) VCF-style: chr19-12958196-C-T.
Identifiers: ClinVar variation 2649346 (VCV002649346.26), dbSNP rs145863997, ClinGen allele CA9232590.
Genomic context (GRCh38, chr19:12,847,382, plus strand): 5'-GCTGCCCTACCAGCCCACGGTGGACGAGCTCCACTTCCTCTCCAAACACTTCGGGAGCAC[C>T]GAGAGCATCACAGACGAGGATGGTGGCCGTCGCTCCCCAGCCGTGCGGCCCCGCTCACGG-3'
Protein context (NP_055790.1, residues 130-150): LHFLSKHFGS[Thr140=]ESITDEDGGR

ClinVar aggregate classification (germline): Benign/Likely benign. Review status: criteria provided, multiple submitters, no conflicts (2 of 4 stars). 2 submissions from 2 submitters: Benign (1); Likely benign (1). Last evaluated 2025-04-03.

Allele frequency attached by ClinVar (database versions not stated): ExAC 0.00008; ESP Exome Variant Server 0.00031; 1000 Genomes Project 0.00060; 1000 Genomes Project 30x 0.00062.

Submissions (2):

Labcorp Genetics (formerly Invitae), Labcorp
Classification: Benign. Last evaluated: 2025-04-03. Review status: criteria provided, single submitter. Criteria: Invitae Variant Classification Sherloc (09022015). Collection method: clinical testing. Allele origin: germline.

CeGaT Center for Human Genetics Tuebingen
Classification: Likely benign. Last evaluated: 2022-11-01. Review status: criteria provided, single submitter. Criteria: CeGaT Center For Human Genetics Tuebingen Variant Classification Criteria Version 2. Collection method: clinical testing. Allele origin: germline. Affected: yes. Observed: 1 variant allele.
Comment: MAST1: BP4, BP7